The following is an entry in ClinVar:

NM_183235.3(RAB27A):c.*1931T>C

Gene: RAB27A (RAB27A, member RAS oncogene family; minus strand). Cytogenetic location: 15q21.3.
Variant type: single nucleotide variant.
Coding change: c.*1931T>C on transcript NM_183235.3 (MANE Select); 1931 bases downstream of the stop codon, T replaced by C.
Molecular consequence: 3 prime UTR variant.
Genome position (GRCh38, 1-based): chr15:55,203,576, A>G on the plus strand (T>C on the coding strand, the complement: RAB27A is on the minus strand). VCF-style: chr15-55203576-A-G. GRCh37 (hg19) VCF-style: chr15-55495774-A-G.
Other names: c.*1931T>C (NM_004580.5, NM_183234.3, NM_183236.3).
Identifiers: ClinVar variation 316612 (VCV000316612.6), dbSNP rs6493770, ClinGen allele CA10646331.

ClinVar aggregate classification (germline): Benign. Review status: criteria provided, multiple submitters, no conflicts (2 of 4 stars). 2 submissions from 2 submitters: Benign (2). Last evaluated 2018-01-12.

Conditions:
Griscelli syndrome type 2 (GS2). Also called: GRISCELLI SYNDROME WITH HEMOPHAGOCYTIC SYNDROME; PAID SYNDROME; PARTIAL ALBINISM AND IMMUNODEFICIENCY SYNDROME. Identifiers: Orphanet 381, Orphanet 79477, MedGen C1868679, MONDO:0011872, OMIM 607624.

Allele frequency attached by ClinVar (database versions not stated): 1000 Genomes Project 0.26518; 1000 Genomes Project 30x 0.27108; gnomAD 0.27109 and 0.27860; TOPMed 0.27675.

Submissions (2):

Illumina Laboratory Services, Illumina
Classification: Benign for Griscelli syndrome type 2. Last evaluated: 2018-01-12. Review status: criteria provided, single submitter. Criteria: ICSL Variant Classification Criteria 13 December 2019. Collection method: clinical testing. Allele origin: germline.
Comment: This variant was observed in the ICSL laboratory as part of a predisposition screen in an ostensibly healthy population. It had not been previously curated by ICSL or reported in the Human Gene Mutation Database (HGMD: prior to June 1st, 2018), and was therefore a candidate for classification through an automated scoring system. Utilizing variant allele frequency, disease prevalence and penetrance estimates, and inheritance mode, an automated score was calculated to assess if this variant is too frequent to cause the disease. Based on the score and internal cut-off values, a variant classified as benign is not then subjected to further curation. The score for this variant resulted in a classification of benign for this disease.

Breakthrough Genomics
Classification: Benign. Review status: criteria provided, single submitter. Criteria: ACMG Guidelines, 2015. Collection method: not provided. Allele origin: germline. Inheritance: Autosomal recessive inheritance. Affected: yes.